The following is an entry in ClinVar:

NM_001386795.1(DTNA):c.1676T>C (p.Met559Thr)

Gene: DTNA (dystrobrevin alpha; plus strand). Cytogenetic location: 18q12.1.
Variant type: single nucleotide variant.
Coding change: c.1676T>C on transcript NM_001386795.1 (MANE Select); coding-DNA position 1676, T replaced by C.
Protein change: p.Met559Thr; replaces methionine 559 with threonine.
Molecular consequence: missense variant.
Genome position (GRCh38, 1-based): chr18:34,863,995, T>C. VCF-style: chr18-34863995-T-C. GRCh37 (hg19) VCF-style: chr18-32443959-T-C.
Other names: c.1505T>C, p.Met502Thr (NM_001386755.1, NM_001386756.1, NM_001386757.1 and 4 more transcripts); c.1502T>C, p.Met501Thr (NM_001386760.1); c.1424T>C, p.Met475Thr (NM_001386761.1, NM_032975.4, NM_032979.5); c.1421T>C, p.Met474Thr (NM_001386762.1); c.1415T>C, p.Met472Thr (NM_001386763.1, NM_001198938.2, NM_001198939.2 and 9 more transcripts); c.1412T>C, p.Met471Thr (NM_001386774.1, NM_001386768.1, NM_001386769.1 and 1 more transcripts); c.1676T>C, p.Met559Thr (NM_001386788.1); c.1595T>C, p.Met532Thr (NM_001390.5, NM_001391.5); and 7 more; short protein forms M180T, M184T, M282T, M472T, M475T, M501T, M532T, M471T.
Identifiers: ClinVar variation 2882288 (VCV002882288.3), dbSNP rs1392628059, ClinGen allele CA402176560.
Genomic context (GRCh38, chr18:34,863,995, plus strand): 5'-CCGCTTCTGATGTCAGCTGCTTCTTTCTTAGACAGCGCAAAGATGAGCTGGAACAGAGAA[T>C]GTCTGCTCTCCAGGAGAGCCGGAGAGAGCTAATGGTCCAGTTGGAGGGTCTCATGAAGCT-3'
Protein context (NP_001373724.1, residues 549-569): RQRKDELEQR[Met559Thr]SALQESRREL

ClinVar aggregate classification (germline): Uncertain significance (1 of 4 stars; one submission).

Conditions:
Left ventricular noncompaction 1 (LVNC1). Also called: LEFT VENTRICULAR NONCOMPACTION 1 WITH OR WITHOUT CONGENITAL HEART DEFECTS. Identifiers: Orphanet 54260, MedGen C1858725, MONDO:0011403, OMIM 604169.

Allele frequency attached by ClinVar (database versions not stated): gnomAD exomes below 0.00001; gnomAD 0.00001.
gnomAD v4.1: 5 of 1,612,184 alleles (0.00031%); highest among the groups gnomAD compares: African/African-American, 0.0027%; no homozygotes.

Submission:

Labcorp Genetics (formerly Invitae), Labcorp
Classification: Uncertain significance for Left ventricular noncompaction 1. Last evaluated: 2022-12-02. Review status: criteria provided, single submitter. Criteria: Invitae Variant Classification Sherloc (09022015). Collection method: clinical testing. Allele origin: germline.
Comment: In summary, the available evidence is currently insufficient to determine the role of this variant in disease. Therefore, it has been classified as a Variant of Uncertain Significance. Algorithms developed to predict the effect of missense changes on protein structure and function (SIFT, PolyPhen-2, Align-GVGD) all suggest that this variant is likely to be disruptive. This variant has not been reported in the literature in individuals affected with DTNA-related conditions. This variant is present in population databases (no rsID available, gnomAD 0.0009%). This sequence change replaces methionine, which is neutral and non-polar, with threonine, which is neutral and polar, at codon 532 of the DTNA protein (p.Met532Thr).